The following is an entry in ClinVar:

ClinVar aggregate classification (germline): Likely pathogenic (1 of 4 stars; one submission).

Conditions:
Polycystic kidney disease, adult type (PKD1). Also called: Polycystic Kidney Disease 1, Autosomal Dominant; Polycystic kidney disease 1; Polycystic kidney disease 1, severe; POLYCYSTIC KIDNEY DISEASE 1 WITH OR WITHOUT POLYCYSTIC LIVER DISEASE; POLYCYSTIC KIDNEY DISEASE, ADULT, TYPE I; Polycystic Kidney, Autosomal Dominant. Identifiers: MedGen C3149841, MONDO:0008263, OMIM 173900.

Submission:

Victorian Clinical Genetics Services, Murdoch Childrens Research Institute
Classification: Likely pathogenic for Polycystic kidney disease, adult type. Last evaluated: 2023-07-17. Review status: criteria provided, single submitter. Criteria: ACMG Guidelines, 2015. Collection method: clinical testing. Allele origin: germline. Inheritance: Autosomal dominant inheritance. Affected: yes.
Comment: Based on the classification scheme VCGS_Germline_v1.3.4, this variant is classified as Likely pathogenic. Following criteria are met: 0102 - Loss of function is a known mechanism of disease in this gene and is associated with polycystic kidney disease 1 (MIM#173900). (I) 0107 - This gene is associated with autosomal dominant disease. Polycystic kidney disease 1 (MIM#173900) is predominantly caused by monoallelic variants, with rare reports of biallelic variants causing disease (OMIM). (I) 0200 - Variant is predicted to result in a missense amino acid change from cysteine to arginine. (I) 0251 - This variant is heterozygous. (I) 0301 - Variant is absent from gnomAD (both v2 and v3). (SP) 0501 - Missense variant consistently predicted to be damaging by multiple in silico tools or highly conserved with a major amino acid change. (SP) 0600 - Variant is located in the annotated WSC domain (DECIPHER). (I) 0703 - Other missense variants comparable to the one identified in this case have moderate previous evidence for pathogenicity. p.(Cys210Gly), p.(Cys210Tyr) and p.(Cys210Phe) have been reported as likely pathogenic in ClinVar and pkdb, these variants have been reported in individuals with polycystic kidney disease (PMIDs: 12842373, 17574468, 22383692). (SP) 0807 - This variant has no previous evidence of pathogenicity. (I) 0905 - No published segregation evidence has been identified for this variant. (I) 1007 - No published functional evidence has been identified for this variant. (I) 1208 - Inheritance information for this variant is not currently available in this individual. (I) Legend: (SP) - Supporting pathogenic, (I) - Information, (SB) - Supporting benign

Literature cited by the submitters: PubMed 12842373; PubMed 17574468; PubMed 22383692.

NM_001009944.3(PKD1):c.628T>C (p.Cys210Arg)

Gene: PKD1 (polycystin 1, transient receptor potential channel interacting; minus strand). Cytogenetic location: 16p13.3.
Variant type: single nucleotide variant.
Coding change: c.628T>C on transcript NM_001009944.3 (MANE Select); coding-DNA position 628, T replaced by C.
Protein change: p.Cys210Arg; replaces cysteine 210 with arginine.
Molecular consequence: missense variant.
Genome position (GRCh38, 1-based): chr16:2,118,364, A>G on the plus strand (T>C on the coding strand, the complement: PKD1 is on the minus strand). VCF-style: chr16-2118364-A-G. GRCh37 (hg19) VCF-style: chr16-2168365-A-G.
Other names: c.628T>C, p.Cys210Arg (NM_000296.4); short protein forms C210R.
Identifiers: ClinVar variation 3254856 (VCV003254856.1), dbSNP rs2544880665.